The following is an entry in ClinVar:

NM_025114.4(CEP290):c.7004A>G (p.Gln2335Arg)

Gene: CEP290 (centrosomal protein 290; minus strand). Cytogenetic location: 12q21.32.
Variant type: single nucleotide variant.
Coding change: c.7004A>G on transcript NM_025114.4 (MANE Select); coding-DNA position 7004, A replaced by G.
Protein change: p.Gln2335Arg; replaces glutamine 2335 with arginine.
Molecular consequence: missense variant.
Genome position (GRCh38, 1-based): chr12:88,054,370, T>C on the plus strand (A>G on the coding strand, the complement: CEP290 is on the minus strand). VCF-style: chr12-88054370-T-C. GRCh37 (hg19) VCF-style: chr12-88448147-T-C.
Other names: short protein forms Q2335R.
Identifiers: ClinVar variation 515387 (VCV000515387.5), dbSNP rs1424407266, ClinGen allele CA385975540.
Genomic context (GRCh38, chr12:88,054,370, plus strand): 5'-ACAAAGTAGTCATATGAATACATGATGTACCTAAGAACTTGAAGCTCCCGTTTAAGGCCT[T>C]GCTCTGTCTCAGCACCTTCAGGAACATGTTTAAGAATCTTAATCTTTGAGGACAATGAAA-3'
Protein context (NP_079390.3, residues 2325-2345): KHVPEGAETE[Gln2335Arg]GLKRELQVLR

ClinVar aggregate classification (germline): Conflicting classifications of pathogenicity. Review status: criteria provided, conflicting classifications (1 of 4 stars). 4 submissions from 4 submitters: Uncertain significance (2); Likely benign (1). 1 of the submissions does not count toward it. Last evaluated 2023-11-13.

Conditions:
CEP290-related disorder. Also called: CEP290-related disorders; CEP290-related condition. Identifiers: MedGen CN239314.
Joubert syndrome. Also called: Familial aplasia of the vermis; JOUBERT-BOLTSHAUSER SYNDROME. Identifiers: Orphanet 475, MedGen C5979921, MONDO:0018772.
Nephronophthisis. Also called: Juvenile Nephronophthisis. Identifiers: Orphanet 655, MedGen C0687120, MONDO:0019005, HP:0000090.
Meckel-Gruber syndrome. Also called: DYSENCEPHALIA SPLANCHNOCYSTICA; GRUBER SYNDROME; Dysencephalia splachnocystica. Identifiers: Orphanet 564, MedGen C0265215, MONDO:0018921.

Allele frequency attached by ClinVar (database versions not stated): gnomAD exomes below 0.00001; gnomAD 0.00001.

Submissions (4):

Blueprint Genetics
Classification: Uncertain significance. Last evaluated: 2023-11-13. Review status: criteria provided, single submitter. Criteria: ACMG Guidelines, 2015. Collection method: clinical testing. Allele origin: germline.

Labcorp Genetics (formerly Invitae), Labcorp
Classification: Uncertain significance for Joubert syndrome; Meckel-Gruber syndrome; Nephronophthisis. Last evaluated: 2022-10-24. Review status: criteria provided, single submitter. Criteria: Invitae Variant Classification Sherloc (09022015). Collection method: clinical testing. Allele origin: germline.
Comment: This sequence change replaces glutamine, which is neutral and polar, with arginine, which is basic and polar, at codon 2335 of the CEP290 protein (p.Gln2335Arg). This variant is not present in population databases (gnomAD no frequency). This variant has not been reported in the literature in individuals affected with CEP290-related conditions. ClinVar contains an entry for this variant (Variation ID: 515387). Algorithms developed to predict the effect of missense changes on protein structure and function (SIFT, PolyPhen-2, Align-GVGD) all suggest that this variant is likely to be tolerated. In summary, the available evidence is currently insufficient to determine the role of this variant in disease. Therefore, it has been classified as a Variant of Uncertain Significance.

GeneDx
Classification: Likely benign. Last evaluated: 2018-02-02. Review status: criteria provided, single submitter. Criteria: GeneDx Variant Classification (06012015). Collection method: clinical testing. Allele origin: germline. Affected: yes.
Comment: This variant is considered likely benign or benign based on one or more of the following criteria: it is a conservative change, it occurs at a poorly conserved position in the protein, it is predicted to be benign by multiple in silico algorithms, and/or has population frequency not consistent with disease.

PreventionGenetics, part of Exact Sciences
Classification: Uncertain significance for CEP290-related condition. Last evaluated: 2024-05-21. Review status: no assertion criteria provided. Collection method: clinical testing. Allele origin: germline. Not counted in ClinVar's aggregate classification.
Comment: The CEP290 c.7004A>G variant is predicted to result in the amino acid substitution p.Gln2335Arg. To our knowledge, this variant has not been reported in the literature or in a large population database, indicating this variant is rare. At this time, the clinical significance of this variant is uncertain due to the absence of conclusive functional and genetic evidence.